The following is an entry in ClinVar:

NM_002381.5(MATN3):c.1008_1009dup (p.Tyr337fs)

Genes: MATN3 (matrilin 3; minus strand), WDR35-DT (WDR35 divergent transcript; plus strand). Cytogenetic location: 2p24.1.
Variant type: Duplication.
Coding change: c.1008_1009dup on transcript NM_002381.5 (MANE Select); coding-DNA positions 1008 to 1009, 2 bases duplicated (TT; older notation c.1008_1009dupTT).
Protein change: p.Tyr337fs; shifts the reading frame from tyrosine 337.
Molecular consequence: frameshift variant.
Genome position (GRCh38, 1-based): chr2:20,001,988-20,001,989, AA duplicated on the plus strand (TT on the coding strand, the reverse complement: MATN3 is on the minus strand). VCF-style (leftmost placement, unchanged base first): chr2-20001987-T-TAA. GRCh37 (hg19) VCF-style: chr2-20201748-T-TAA.
Other names: short protein forms Y337fs.
Identifiers: ClinVar variation 2026756 (VCV002026756.4), dbSNP rs2527694924, ClinGen allele CA2580064965.

ClinVar aggregate classification (germline): Uncertain significance (1 of 4 stars; one submission).

Submission:

Labcorp Genetics (formerly Invitae), Labcorp
Classification: Uncertain significance. Last evaluated: 2022-08-24. Review status: criteria provided, single submitter. Criteria: Invitae Variant Classification Sherloc (09022015). Collection method: clinical testing. Allele origin: germline.
Comment: This sequence change creates a premature translational stop signal (p.Tyr337Phefs*4) in the MATN3 gene. It is expected to result in an absent or disrupted protein product. However, the current clinical and genetic evidence is not sufficient to establish whether loss-of-function variants in MATN3 cause disease. In summary, the available evidence is currently insufficient to determine the role of this variant in disease. Therefore, it has been classified as a Variant of Uncertain Significance. This variant has not been reported in the literature in individuals affected with MATN3-related conditions. This variant is not present in population databases (gnomAD no frequency).